The following is an entry in ClinVar:

ClinVar aggregate classification (germline): Likely benign. Review status: criteria provided, multiple submitters, no conflicts (2 of 4 stars). 4 submissions from 4 submitters: Likely benign (4). Last evaluated 2026-03-01.

Conditions:
Joubert syndrome 23 (JBTS23). Identifiers: Orphanet 475, MedGen C4084822, MONDO:0014664, OMIM 616490.
Short-rib thoracic dysplasia 14 with polydactyly (SRTD14). Identifiers: Orphanet 397715, MedGen C4225286, MONDO:0014688, OMIM 616546.

Allele frequency attached by ClinVar (database versions not stated): gnomAD exomes 0.00017; ExAC 0.00020; ESP Exome Variant Server 0.00033.
gnomAD v4.1: 165 of 1,612,336 alleles (0.01%); highest among the groups gnomAD compares: South Asian, 0.013%; no homozygotes.

Submissions (4):

CeGaT Center for Human Genetics Tuebingen
Classification: Likely benign. Last evaluated: 2026-03-01. Review status: criteria provided, single submitter. Criteria: CeGaT Center For Human Genetics Tuebingen Variant Classification Criteria Version 2. Collection method: clinical testing. Allele origin: germline. Affected: yes. Observed: 3 variant alleles.
Comment: KIAA0586: BP4, BP7

Labcorp Genetics (formerly Invitae), Labcorp
Classification: Likely benign for Joubert syndrome 23; Short-rib thoracic dysplasia 14 with polydactyly. Last evaluated: 2025-11-12. Review status: criteria provided, single submitter. Criteria: Invitae Variant Classification Sherloc (09022015). Collection method: clinical testing. Allele origin: germline.

Blueprint Genetics
Classification: Likely benign. Last evaluated: 2024-10-08. Review status: criteria provided, single submitter. Criteria: ACMG Guidelines, 2015. Collection method: clinical testing. Allele origin: germline.

GeneDx
Classification: Likely benign. Last evaluated: 2020-04-22. Review status: criteria provided, single submitter. Criteria: GeneDx Variant Classification Process June 2021. Collection method: clinical testing. Allele origin: germline. Affected: yes.

NM_001329943.3(KIAA0586):c.2163C>T (p.Gly721=)

Gene: KIAA0586 (KIAA0586; plus strand). Cytogenetic location: 14q23.1.
Variant type: single nucleotide variant.
Coding change: c.2163C>T on transcript NM_001329943.3 (MANE Select); coding-DNA position 2163, C replaced by T.
Protein change: p.Gly721=; no amino-acid change (glycine 721 retained).
Molecular consequence: synonymous variant.
Genome position (GRCh38, 1-based): chr14:58,465,938, C>T. VCF-style: chr14-58465938-C-T. GRCh37 (hg19) VCF-style: chr14-58932656-C-T.
Other names: c.2322C>T, p.Gly774= (NM_001244189.2); c.2118C>T, p.Gly706= (NM_001244190.2); c.1908C>T, p.Gly636= (NM_001244191.2, NM_001329945.2, NM_001364700.1 and 1 more transcripts); c.2031C>T, p.Gly677= (NM_001244192.2); c.1743C>T, p.Gly581= (NM_001244193.2); c.2163C>T, p.Gly721= (NM_001329944.2, NM_001329946.2, NM_001329947.2); c.1935C>T, p.Gly645= (NM_014749.5).
Identifiers: ClinVar variation 1112477 (VCV001112477.35), dbSNP rs368904420, ClinGen allele CA7205800.